The following is an entry in ClinVar:

NM_007294.4(BRCA1):c.4018T>C (p.Leu1340=)

Genes: BRCA1 (BRCA1 DNA repair associated; minus strand), LOC126862571 (BRD4-independent group 4 enhancer GRCh37_chr17:41243136-41244335; plus strand). Cytogenetic location: 17q21.31.
Variant type: single nucleotide variant.
Coding change: c.4018T>C on transcript NM_007294.4 (MANE Select); coding-DNA position 4018, T replaced by C.
Protein change: p.Leu1340=; no amino-acid change (leucine 1340 retained).
Molecular consequence: synonymous variant. On other transcripts: intron variant (135).
Genome position (GRCh38, 1-based): chr17:43,091,513, A>G on the plus strand (T>C on the coding strand, the complement: BRCA1 is on the minus strand). VCF-style: chr17-43091513-A-G. GRCh37 (hg19) VCF-style: chr17-41243530-A-G.
Other names: c.3805T>C, p.Leu1269= (NM_001407571.1, NM_001407853.1, NM_001407894.1 and 9 more transcripts); c.4018T>C, p.Leu1340= (NM_001407581.1, NM_001407582.1, NM_001407583.1 and 30 more transcripts); c.4015T>C, p.Leu1339= (NM_001407587.1, NM_001407590.1, NM_001407591.1 and 22 more transcripts); c.4009T>C, p.Leu1337= (NM_001407646.1, NM_001407647.1); c.3895T>C, p.Leu1299= (NM_001407648.1, NM_001407664.1, NM_001407665.1 and 19 more transcripts); c.3892T>C, p.Leu1298= (NM_001407649.1, NM_001407670.1, NM_001407671.1 and 11 more transcripts); c.3940T>C, p.Leu1314= (NM_001407653.1, NM_001407654.1, NM_001407655.1 and 4 more transcripts); c.3937T>C, p.Leu1313= (NM_001407659.1, NM_001407660.1, NM_001407661.1 and 1 more transcripts); and 41 more.
Identifiers: ClinVar variation 184728 (VCV000184728.32), dbSNP rs786201646, ClinGen allele CA002569.

ClinVar aggregate classification (germline): Likely benign. Review status: reviewed by expert panel (3 of 4 stars). 6 submissions from 6 submitters: Likely benign (1). 5 of the submissions do not count toward it. Last evaluated 2017-06-29.

Conditions:
Hereditary breast ovarian cancer syndrome. Also called: Hereditary breast and ovarian cancer syndrome; Hereditary breast and ovarian cancer syndrome (HBOC); BRCA1- and BRCA2-Associated Hereditary Breast and Ovarian Cancer; Breast and ovarian cancer; Hereditary breast and ovarian cancer; Hereditary breast and/or ovarian cancer syndrome. Identifiers: Orphanet 145, MedGen C0677776, MeSH D061325, MONDO:0003582. Disease mechanism: loss of function.
Hereditary cancer-predisposing syndrome. Also called: Hereditary Cancer Syndrome; Hereditary neoplastic syndrome; Tumor predisposition; Neoplastic Syndromes, Hereditary. Identifiers: Orphanet 140162, MedGen C0027672, MeSH D009386, MONDO:0015356.
Breast-ovarian cancer, familial, susceptibility to, 1 (BROVCA1). Also called: OVARIAN CANCER, SUSCEPTIBILITY TO; BRCA1 Hereditary Breast and Ovarian Cancer. Identifiers: Orphanet 145, MedGen C2676676, MONDO:0011450, OMIM 604370. Disease mechanism: loss of function.
BRCA1-related cancer predisposition. Identifiers: MedGen CN377757, MONDO:0700268.

Allele frequency attached by ClinVar (database versions not stated): gnomAD exomes below 0.00001; TOPMed below 0.00001.
gnomAD v4.1: 1 of 1,613,834 alleles (0.000062%); highest among the groups gnomAD compares: Admixed American, 0.0017%; no homozygotes.

Submissions (6):

Evidence-based Network for the Interpretation of Germline Mutant Alleles (ENIGMA)
Classification: Likely benign for Breast-ovarian cancer, familial, susceptibility to, 1. Last evaluated: 2017-06-29. Review status: reviewed by expert panel. Criteria: ENIGMA BRCA1/2 Classification Criteria (2017-06-29). Collection method: curation. Allele origin: germline.
Comment: Synonymous substitution variant, with low bioinformatic likelihood to result in a splicing aberration (Splicing prior probability 0.02).

Labcorp Genetics (formerly Invitae), Labcorp
Classification: Likely benign for Hereditary breast ovarian cancer syndrome. Last evaluated: 2025-12-24. Review status: criteria provided, single submitter. Criteria: Invitae Variant Classification Sherloc (09022015). Collection method: clinical testing. Allele origin: germline. Not counted in ClinVar's aggregate classification.

All of Us Research Program, National Institutes of Health
Classification: Likely benign for BRCA1-related cancer predisposition. Last evaluated: 2024-05-14. Review status: criteria provided, single submitter. Criteria: ACMG Guidelines, 2015. Collection method: clinical testing. Allele origin: germline. Inheritance: Autosomal dominant inheritance. Observed: 2 variant alleles, 2 heterozygotes. Not counted in ClinVar's aggregate classification.
Comment: This study involves interpretation of variants in research participants for the purpose of population health screening. Participant phenotype was not available at the time of variant classification. Additional details can be found in publication PMID: 35346344, PMCID: PMC8962531

Ambry Genetics
Classification: Likely benign for Hereditary cancer-predisposing syndrome. Last evaluated: 2019-06-27. Review status: criteria provided, single submitter. Criteria: Ambry Variant Classification Scheme 2023. Collection method: clinical testing. Allele origin: germline. Not counted in ClinVar's aggregate classification.

Color Diagnostics, LLC DBA Color Health
Classification: Likely benign for Hereditary cancer-predisposing syndrome. Last evaluated: 2019-04-17. Review status: criteria provided, single submitter. Criteria: ACMG Guidelines, 2015. Collection method: clinical testing. Allele origin: germline. Not counted in ClinVar's aggregate classification.

GeneDx
Classification: Likely benign. Last evaluated: 2015-12-07. Review status: criteria provided, single submitter. Criteria: GeneDx Variant Classification (06012015). Collection method: clinical testing. Allele origin: germline. Affected: yes. Not counted in ClinVar's aggregate classification.
Comment: This variant is considered likely benign or benign based on one or more of the following criteria: it is a conservative change, it occurs at a poorly conserved position in the protein, it is predicted to be benign by multiple in silico algorithms, and/or has population frequency not consistent with disease.